The following is an entry in ClinVar:

ClinVar aggregate classification (germline): Uncertain significance (1 of 4 stars; one submission).

Conditions:
Trichorhinophalangeal dysplasia type I (TRPS1). Also called: TRICHORHINOPHALANGEAL SYNDROME, TYPE I; TRPS I. Identifiers: Orphanet 77258, MedGen C0432233, MONDO:0008596, OMIM 190350.
Trichorhinophalangeal syndrome, type III (TRPS3). Also called: SUGIO-KAJII SYNDROME. Identifiers: Orphanet 77258, MedGen C1860823, OMIM 190351, MONDO:0008597.

gnomAD v4.1: 1 of 1,614,026 alleles (0.000062%); highest among the groups gnomAD compares: Non-Finnish European, 0.000085%; no homozygotes.

Submission:

Labcorp Genetics (formerly Invitae), Labcorp
Classification: Uncertain significance for Trichorhinophalangeal syndrome, type III; Trichorhinophalangeal dysplasia type I. Last evaluated: 2024-07-15. Review status: criteria provided, single submitter. Criteria: Invitae Variant Classification Sherloc (09022015). Collection method: clinical testing. Allele origin: germline.
Comment: This sequence change replaces aspartic acid, which is acidic and polar, with glutamic acid, which is acidic and polar, at codon 498 of the TRPS1 protein (p.Asp498Glu). This variant is not present in population databases (gnomAD no frequency). This variant has not been reported in the literature in individuals affected with TRPS1-related conditions. Advanced modeling of protein sequence and biophysical properties (such as structural, functional, and spatial information, amino acid conservation, physicochemical variation, residue mobility, and thermodynamic stability) performed at Invitae indicates that this missense variant is not expected to disrupt TRPS1 protein function with a negative predictive value of 80%. In summary, the available evidence is currently insufficient to determine the role of this variant in disease. Therefore, it has been classified as a Variant of Uncertain Significance.

NM_014112.5(TRPS1):c.1494T>A (p.Asp498Glu)

Gene: TRPS1 (transcriptional repressor GATA binding 1; minus strand). Cytogenetic location: 8q23.3.
Variant type: single nucleotide variant.
Coding change: c.1494T>A on transcript NM_014112.5 (MANE Select); coding-DNA position 1494, T replaced by A.
Protein change: p.Asp498Glu; replaces aspartic acid 498 with glutamic acid.
Molecular consequence: missense variant.
Genome position (GRCh38, 1-based): chr8:115,604,475, A>T on the plus strand (T>A on the coding strand, the complement: TRPS1 is on the minus strand). VCF-style: chr8-115604475-A-T. GRCh37 (hg19) VCF-style: chr8-116616702-A-T.
Other names: c.1467T>A, p.Asp489Glu (NM_001282902.3); c.1473T>A, p.Asp491Glu (NM_001282903.3); c.1455T>A, p.Asp485Glu (NM_001330599.2); short protein forms D485E, D489E, D491E, D498E.
Identifiers: ClinVar variation 3753373 (VCV003753373.2).